The following is an entry in ClinVar:

NM_001349206.2(LPIN1):c.148G>A (p.Val50Ile)

Gene: LPIN1 (lipin 1; plus strand). Cytogenetic location: 2p25.1.
Variant type: single nucleotide variant.
Coding change: c.148G>A on transcript NM_001349206.2 (MANE Select); coding-DNA position 148, G replaced by A.
Protein change: p.Val50Ile; replaces valine 50 with isoleucine.
Molecular consequence: missense variant. On other transcripts: non-coding transcript variant (1).
Genome position (GRCh38, 1-based): chr2:11,765,689, G>A. VCF-style: chr2-11765689-G-A. GRCh37 (hg19) VCF-style: chr2-11905815-G-A.
Other names: c.166G>A, p.Val56Ile (NM_001261427.3); c.295G>A, p.Val99Ile (NM_001261428.3, NM_001349208.2); c.148G>A, p.Val50Ile (NM_001349199.2, NM_001349200.2, NM_001349201.2 and 5 more transcripts); c.238G>A, p.Val80Ile (NM_001349207.2); c.148G>A (NM_145693.2); short protein forms V50I, V99I, V56I, V80I.
Identifiers: ClinVar variation 2154088 (VCV002154088.3), dbSNP rs1344457697, ClinGen allele CA345851567.
Genomic context (GRCh38, chr2:11,765,689, plus strand): 5'-TGCATTGACATCATTGTCATCCGCCAGCCCAATGGAAACCTCCAATGCTCCCCTTTCCAC[G>A]TCCGCTTTGGGAAGATGGGGGTCCTGCGCTCCCGAGAGAAAGTGGTGAGCTCTCAGGGCA-3'
Protein context (NP_001336135.1, residues 40-60): NGNLQCSPFH[Val50Ile]RFGKMGVLRS

ClinVar aggregate classification (germline): Uncertain significance. Review status: criteria provided, single submitter (1 of 4 stars). 2 submissions from 2 submitters: Uncertain significance (1). 1 of the submissions does not count toward it. Last evaluated 2022-02-28.

Conditions:
LPIN1-related disorder. Also called: LPIN1-related condition.

Allele frequency attached by ClinVar (database versions not stated): gnomAD 0.00001; TOPMed 0.00004.
gnomAD v4.1: 33 of 1,613,130 alleles (0.002%); highest among the groups gnomAD compares: Non-Finnish European, 0.0027%; no homozygotes.

Submissions (2):

Labcorp Genetics (formerly Invitae), Labcorp
Classification: Uncertain significance. Last evaluated: 2022-02-28. Review status: criteria provided, single submitter. Criteria: Invitae Variant Classification Sherloc (09022015). Collection method: clinical testing. Allele origin: germline.
Comment: This sequence change replaces valine, which is neutral and non-polar, with isoleucine, which is neutral and non-polar, at codon 50 of the LPIN1 protein (p.Val50Ile). This variant is present in population databases (no rsID available, gnomAD 0.003%). This variant has not been reported in the literature in individuals affected with LPIN1-related conditions. Algorithms developed to predict the effect of missense changes on protein structure and function are either unavailable or do not agree on the potential impact of this missense change (SIFT: "Deleterious"; PolyPhen-2: "Probably Damaging"; Align-GVGD: "Class C0"). In summary, the available evidence is currently insufficient to determine the role of this variant in disease. Therefore, it has been classified as a Variant of Uncertain Significance.

PreventionGenetics, part of Exact Sciences
Classification: Uncertain significance for LPIN1-related condition. Last evaluated: 2024-01-24. Review status: no assertion criteria provided. Collection method: clinical testing. Allele origin: germline. Not counted in ClinVar's aggregate classification.
Comment: The LPIN1 c.148G>A variant is predicted to result in the amino acid substitution p.Val50Ile. To our knowledge, this variant has not been reported in the literature. This variant is reported in 0.0029% of alleles in individuals of Latino descent in gnomAD. At this time, the clinical significance of this variant is uncertain due to the absence of conclusive functional and genetic evidence.